The following is an entry in ClinVar:

ClinVar aggregate classification (germline): Uncertain significance. Review status: criteria provided, multiple submitters, no conflicts (2 of 4 stars). 2 submissions from 2 submitters: Uncertain significance (2). Last evaluated 2022-08-19.

Allele frequency attached by ClinVar (database versions not stated): ExAC 0.00001; gnomAD exomes 0.00001; gnomAD 0.00005 and 0.00006; TOPMed 0.00005.
gnomAD v4.1: 20 of 1,601,422 alleles (0.0012%); highest among the groups gnomAD compares: African/African-American, 0.011%; no homozygotes.

Submissions (2):

Labcorp Genetics (formerly Invitae), Labcorp
Classification: Uncertain significance. Last evaluated: 2022-08-19. Review status: criteria provided, single submitter. Criteria: Invitae Variant Classification Sherloc (09022015). Collection method: clinical testing. Allele origin: germline.
Comment: This sequence change replaces threonine, which is neutral and polar, with isoleucine, which is neutral and non-polar, at codon 318 of the ATAD1 protein (p.Thr318Ile). This variant is present in population databases (rs774251562, gnomAD 0.01%). This variant has not been reported in the literature in individuals affected with ATAD1-related conditions. ClinVar contains an entry for this variant (Variation ID: 1510140). Algorithms developed to predict the effect of missense changes on protein structure and function are either unavailable or do not agree on the potential impact of this missense change (SIFT: "Not Available"; PolyPhen-2: "Benign"; Align-GVGD: "Not Available"). In summary, the available evidence is currently insufficient to determine the role of this variant in disease. Therefore, it has been classified as a Variant of Uncertain Significance.

Blueprint Genetics
Classification: Uncertain significance. Last evaluated: 2022-01-10. Review status: criteria provided, single submitter. Criteria: ACMG Guidelines, 2015. Collection method: clinical testing. Allele origin: germline.

NM_001321967.2(ATAD1):c.953C>T (p.Thr318Ile)

Gene: ATAD1 (ATPase family AAA domain containing 1; minus strand). Cytogenetic location: 10q23.31.
Variant type: single nucleotide variant.
Coding change: c.953C>T on transcript NM_001321967.2 (MANE Select); coding-DNA position 953, C replaced by T.
Protein change: p.Thr318Ile; replaces threonine 318 with isoleucine.
Molecular consequence: missense variant. On other transcripts: non-coding transcript variant (1).
Genome position (GRCh38, 1-based): chr10:87,756,801, G>A on the plus strand (C>T on the coding strand, the complement: ATAD1 is on the minus strand). VCF-style: chr10-87756801-G-A. GRCh37 (hg19) VCF-style: chr10-89516558-G-A.
Other names: c.863C>T, p.Thr288Ile (NM_001321968.2); c.596C>T, p.Thr199Ile (NM_001321969.2); c.953C>T, p.Thr318Ile (NM_032810.4); short protein forms T199I, T288I, T318I.
Identifiers: ClinVar variation 1510140 (VCV001510140.4), dbSNP rs774251562, ClinGen allele CA5589930.